The following is an entry in ClinVar:

ClinVar aggregate classification (germline): Pathogenic. Review status: criteria provided, multiple submitters, no conflicts (2 of 4 stars). 3 submissions from 3 submitters: Pathogenic (2). 1 of the submissions does not count toward it. Last evaluated 2022-10-12.

Conditions:
COL3A1-related disorder. Also called: COL3A1-related condition.
Ehlers-Danlos syndrome, type 4 (EDSVASC). Also called: Ehlers-Danlos syndrome vascular type; Ehlers Danlos syndrome, ecchymotic type; Ehlers Danlos syndrome, arterial type; Ehlers Danlos syndrome, Sack-Barabas type; Ehlers-Danlos Syndrome Type IV. Identifiers: Orphanet 286, MedGen C0268338, MONDO:0017314, OMIM 130050.

Submissions (3):

PreventionGenetics, part of Exact Sciences
Classification: Pathogenic for COL3A1-related condition. Last evaluated: 2022-10-12. Review status: criteria provided, single submitter. Criteria: ACMG Guidelines, 2015. Collection method: clinical testing. Allele origin: germline.
Comment: The COL3A1 c.1869+1G>C variant is predicted to disrupt the GT donor site and interfere with normal splicing. This variant has been reported in individuals with autosomal dominant Ehlers-Danlos syndrome IV (vascular type) (Table 1, referred to as IVS27+1G>C, Shimaoka et al. 2010. PubMed ID: 20518783; Table S1, Pepin et al. 2014. PubMed ID: 24922459). In vitro studies using patient derived fibroblasts revealed a significant reduction in type III collagen production (Table 1, referred to as IVS27+1G>C, Shimaoka et al. 2010. PubMed ID: 20518783). This variant has not been reported in a large population database, indicating this variant is rare. Alternate nucleotide changes at this position (c.1869+1G>A and c.1869+1G>T) have also been reported in individuals with autosomal dominant Ehlers-Danlos syndrome IV (vascular type) (referred to as IVS27+1G>A, Shimaoka et al. 2013. PubMed ID: 23293852; Table S2, Legrand et al. 2019. PubMed ID: 30474650). Variants that disrupt the consensus splice donor site in COL3A1 are expected to be pathogenic. The c.1869+1G>C variant is interpreted as pathogenic.

Labcorp Genetics (formerly Invitae), Labcorp
Classification: Pathogenic for Ehlers-Danlos syndrome, type 4. Last evaluated: 2019-10-03. Review status: criteria provided, single submitter. Criteria: Invitae Variant Classification Sherloc (09022015). Collection method: clinical testing. Allele origin: germline.
Comment: This sequence change affects a donor splice site in intron 26 of the COL3A1 gene. It is expected to disrupt RNA splicing and likely results in an absent or disrupted protein product. This variant is not present in population databases (ExAC no frequency). Disruption of this splice site has been observed in individuals with clinical features of vascular Ehlers Danlos syndrome (PMID: 23293852, 20518783, 24922459, Invitae). This variant is also known as g.IVS27+1G>C in the literature. ClinVar contains an entry for this variant (Variation ID: 101314). Experimental studies have shown that this variant disrupts mRNA splicing (PMID: 20518783, 23293852). Donor and acceptor splice site variants typically lead to a loss of protein function (PMID: 16199547), and loss-of-function variants in COL3A1 are known to be pathogenic (PMID: 24922459). For these reasons, this variant has been classified as Pathogenic.

Collagen Diagnostic Laboratory, University of Washington
Classification: Pathogenic for Ehlers-Danlos syndrome, type 4. Review status: no assertion criteria provided. Collection method: clinical testing. Allele origin: germline. Affected: yes. Not counted in ClinVar's aggregate classification.

Literature cited by the submitters: PubMed 23293852 (cited by Labcorp Genetics (formerly Invitae), Labcorp); PubMed 20518783 (cited by Labcorp Genetics (formerly Invitae), Labcorp); PubMed 24922459 (cited by Labcorp Genetics (formerly Invitae), Labcorp); PubMed 16199547 (cited by Labcorp Genetics (formerly Invitae), Labcorp).

NM_000090.4(COL3A1):c.1869+1G>C

Gene: COL3A1 (collagen type III alpha 1 chain; plus strand). Cytogenetic location: 2q32.2.
Variant type: single nucleotide variant.
Coding change: c.1869+1G>C on transcript NM_000090.4 (MANE Select); the canonical splice donor site of the intron after coding-DNA position 1869, G replaced by C.
Molecular consequence: splice donor variant.
Genome position (GRCh38, 1-based): chr2:188,997,390, G>C. VCF-style: chr2-188997390-G-C. GRCh37 (hg19) VCF-style: chr2-189862116-G-C.
Identifiers: ClinVar variation 101314 (VCV000101314.11), dbSNP rs587779600, ClinGen allele CA004649.